The following is an entry in ClinVar:

NM_001023.4(RPS20):c.118A>G (p.Ile40Val)

Gene: RPS20 (ribosomal protein S20; minus strand). Cytogenetic location: 8q12.1.
Variant type: single nucleotide variant.
Coding change: c.118A>G on transcript NM_001023.4 (MANE Select); coding-DNA position 118, A replaced by G.
Protein change: p.Ile40Val; replaces isoleucine 40 with valine.
Molecular consequence: missense variant.
Genome position (GRCh38, 1-based): chr8:56,073,754, T>C on the plus strand (A>G on the coding strand, the complement: RPS20 is on the minus strand). VCF-style: chr8-56073754-T-C. GRCh37 (hg19) VCF-style: chr8-56986313-T-C.
Other names: c.118A>G, p.Ile40Val (NM_001146227.3); short protein forms I40V.
Identifiers: ClinVar variation 1744416 (VCV001744416.3), dbSNP rs938303369, ClinGen allele CA177249596.

ClinVar aggregate classification (germline): Uncertain significance (1 of 4 stars; one submission).

Allele frequency attached by ClinVar (database versions not stated): gnomAD exomes below 0.00001; TOPMed below 0.00001.
gnomAD v4.1: 4 of 1,614,082 alleles (0.00025%); highest among the groups gnomAD compares: East Asian, 0.0022%; no homozygotes.

Submission:

Ambry Genetics
Classification: Uncertain significance. Last evaluated: 2025-04-01. Review status: criteria provided, single submitter. Criteria: Ambry Variant Classification Scheme 2023. Collection method: clinical testing. Allele origin: germline.
Comment: The p.I40V variant (also known as c.118A>G), located in coding exon 3 of the RPS20 gene, results from an A to G substitution at nucleotide position 118. The isoleucine at codon 40 is replaced by valine, an amino acid with highly similar properties. This amino acid position is conserved. In addition, the in silico prediction for this alteration is inconclusive. Since supporting evidence is limited at this time, the clinical significance of this alteration remains unclear.